The following is an entry in ClinVar:

ClinVar aggregate classification (germline): Pathogenic. Review status: criteria provided, multiple submitters, no conflicts (2 of 4 stars). 2 submissions from 2 submitters: Pathogenic (2). Last evaluated 2026-02-10.

Conditions:
Methylmalonic aciduria due to methylmalonyl-CoA mutase deficiency (MAMM). Also called: Methylmalonic aciduria, mut type. Identifiers: Orphanet 27, MedGen C1855114, MONDO:0009612, OMIM 251000.

Allele frequency attached by ClinVar (database versions not stated): gnomAD exomes below 0.00001.

Submissions (2):

Myriad Genetics, Inc.
Classification: Pathogenic for Methylmalonic aciduria due to methylmalonyl-CoA mutase deficiency. Last evaluated: 2026-02-10. Review status: criteria provided, single submitter. Criteria: Myriad Autosomal Dominant, Autosomal Recessive and X-Linked Classification Criteria (2023). Collection method: clinical testing. Allele origin: unknown.
Comment: NM_000255.3(MMUT):c.426delA(H143Ifs*37) is expected to be pathogenic in the context of methylmalonic acidemia, MMUT-related. This variant is predicted to lead to an abnormal or absent protein product due to the creation of a premature termination codon in MMUT, a gene where loss-of-function variants are known to be pathogenic. Please note: this variant was assessed in the context of healthy population screening.

Labcorp Genetics (formerly Invitae), Labcorp
Classification: Pathogenic. Last evaluated: 2022-10-20. Review status: criteria provided, single submitter. Criteria: Invitae Variant Classification Sherloc (09022015). Collection method: clinical testing. Allele origin: germline.
Comment: This sequence change creates a premature translational stop signal (p.His143Ilefs*37) in the MUT gene. It is expected to result in an absent or disrupted protein product. Loss-of-function variants in MUT are known to be pathogenic (PMID: 15781192). This variant is not present in population databases (gnomAD no frequency). This variant has not been reported in the literature in individuals affected with MUT-related conditions. ClinVar contains an entry for this variant (Variation ID: 1353016). For these reasons, this variant has been classified as Pathogenic.

Literature cited by the submitters: PubMed 15781192 (cited by Labcorp Genetics (formerly Invitae), Labcorp).

NM_000255.4(MMUT):c.426del (p.His143fs)

Gene: MMUT (methylmalonyl-CoA mutase; minus strand). Cytogenetic location: 6p12.3.
Variant type: Deletion.
Coding change: c.426del on transcript NM_000255.4 (MANE Select); coding-DNA position 426, one base deleted (A; older notation c.426delA).
Protein change: p.His143fs; shifts the reading frame from histidine 143.
Molecular consequence: frameshift variant.
Genome position (GRCh38, 1-based): chr6:49,458,018, T deleted on the plus strand (A on the coding strand, the reverse complement: MMUT is on the minus strand). VCF-style (leftmost placement, unchanged base first): chr6-49458017-GT-G. GRCh37 (hg19) VCF-style: chr6-49425730-GT-G.
Other names: short protein forms H143fs.
Identifiers: ClinVar variation 1353016 (VCV001353016.7), dbSNP rs2127420062, ClinGen allele CA2573140887.
Genomic context (GRCh38, chr6:49,458,017, plus strand): 5'-CAACTCCAGCCATTCCAACATCACCACGAACTCGAGGGTTGTCTGAATCATAGCCACGAT[GT>G]GTCGCCAGATCAAAGGCAACTGATAATCCCTGCTGACCAGCTAAATATATAAAGAAAAAT-3'